The following is an entry in ClinVar:

NM_000426.4(LAMA2):c.7300+1G>T

Gene: LAMA2 (laminin subunit alpha 2; plus strand). Cytogenetic location: 6q22.33.
Variant type: single nucleotide variant.
Coding change: c.7300+1G>T on transcript NM_000426.4 (MANE Select); the canonical splice donor site of the intron after coding-DNA position 7300, G replaced by T.
Molecular consequence: splice donor variant.
Genome position (GRCh38, 1-based): chr6:129,465,290, G>T. VCF-style: chr6-129465290-G-T. GRCh37 (hg19) VCF-style: chr6-129786435-G-T.
Other names: c.7300+1G>T (NM_001079823.2).
Identifiers: ClinVar variation 4081713 (VCV004081713.1).

ClinVar aggregate classification (germline): Likely pathogenic (1 of 4 stars; one submission).

Conditions:
LAMA2-related muscular dystrophy (LAMA2-RD). Also called: Laminin alpha 2-related dystrophy. Identifiers: MedGen C5679788, MONDO:0100228.

gnomAD v4.1: 1 of 1,608,934 alleles (0.000062%); highest among the groups gnomAD compares: Non-Finnish European, 0.000085%; no homozygotes.

Submission:

Myriad Genetics, Inc.
Classification: Likely pathogenic for LAMA2-related muscular dystrophy. Last evaluated: 2025-06-05. Review status: criteria provided, single submitter. Criteria: Myriad Autosomal Dominant, Autosomal Recessive and X-Linked Classification Criteria (2023). Collection method: clinical testing. Allele origin: unknown.
Comment: NM_000426.3(LAMA2):c.7300+1G>T is a variant in a canonical splice site classified as likely pathogenic in the context of muscular dystrophy, LAMA2-related. c.7300+1G>T has not been observed in cases with relevant disease. Relevant functional assessments of this variant are not available in the literature. c.7300+1G>T has not been observed in referenced population frequency databases. In summary, NM_000426.3(LAMA2):c.7300+1G>T is a variant in a canonical splice site in a gene where loss of function is a known mechanism of disease and is predicted to disrupt protein function. Please note: this variant was assessed in the context of healthy population screening.